The following is an entry in ClinVar:

NM_014014.5(SNRNP200):c.4896G>T (p.Val1632=)

Gene: SNRNP200 (small nuclear ribonucleoprotein U5 subunit 200; minus strand). Cytogenetic location: 2q11.2.
Variant type: single nucleotide variant.
Coding change: c.4896G>T on transcript NM_014014.5 (MANE Select); coding-DNA position 4896, G replaced by T.
Protein change: p.Val1632=; no amino-acid change (valine 1632 retained).
Molecular consequence: synonymous variant.
Genome position (GRCh38, 1-based): chr2:96,283,220, C>A on the plus strand (G>T on the coding strand, the complement: SNRNP200 is on the minus strand). VCF-style: chr2-96283220-C-A. GRCh37 (hg19) VCF-style: chr2-96948958-C-A.
Identifiers: ClinVar variation 4982629 (VCV004982629.1).
Genomic context (GRCh38, chr2:96,283,220, plus strand): 5'-GTGATACCCTTGCTATGCTCCCCTTCCGTGGCCTGACTTACCTGAGCTGAAGAGCTGCTC[C>A]ACCAGGCGTCGCTCCATGGGGCTGAGCCCCTCATGCAGGTAGCCCACCCCATTTAGCAGC-3'
Protein context (NP_054733.2, residues 1622-1642): EGLSPMERRL[Val1632=]EQLFSSGAIQ

ClinVar aggregate classification (germline): Likely benign (1 of 4 stars; one submission).

Conditions:
SNRNP200-related disorder. Also called: SNRNP200-related condition.

Submission:

PreventionGenetics, part of Exact Sciences
Classification: Likely benign for SNRNP200-related condition. Last evaluated: 2024-10-16. Review status: criteria provided, single submitter. Criteria: ACMG Guidelines, 2015. Collection method: clinical testing. Allele origin: germline.
Comment: This variant is classified as likely benign based on ACMG/AMP sequence variant interpretation guidelines (Richards et al. 2015 PMID: 25741868, with internal and published modifications).